The following is an entry in ClinVar:

NM_000059.4(BRCA2):c.9168C>G (p.His3056Gln)

Gene: BRCA2 (BRCA2 DNA repair associated; plus strand). Cytogenetic location: 13q13.1.
Variant type: single nucleotide variant.
Coding change: c.9168C>G on transcript NM_000059.4 (MANE Select); coding-DNA position 9168, C replaced by G.
Protein change: p.His3056Gln; replaces histidine 3056 with glutamine.
Molecular consequence: missense variant.
Genome position (GRCh38, 1-based): chr13:32,380,057, C>G. VCF-style: chr13-32380057-C-G. GRCh37 (hg19) VCF-style: chr13-32954194-C-G.
Other names: short protein forms H3056Q.
Identifiers: ClinVar variation 234863 (VCV000234863.20), dbSNP rs876661266, ClinGen allele CA10577495.

ClinVar aggregate classification (germline): Conflicting classifications of pathogenicity. Review status: criteria provided, conflicting classifications (1 of 4 stars). 6 submissions from 6 submitters: Uncertain significance (5); Likely benign (1). Last evaluated 2025-12-13.

Conditions:
Hereditary cancer-predisposing syndrome. Also called: Hereditary neoplastic syndrome; Hereditary Cancer Syndrome; Neoplastic Syndromes, Hereditary; Tumor predisposition. Identifiers: Orphanet 140162, MedGen C0027672, MeSH D009386, MONDO:0015356.
Hereditary breast ovarian cancer syndrome. Also called: BRCA1- and BRCA2-Associated Hereditary Breast and Ovarian Cancer; Hereditary breast and ovarian cancer syndrome; Hereditary breast and ovarian cancer; Hereditary breast and ovarian cancer syndrome (HBOC); Breast and ovarian cancer; Hereditary breast and/or ovarian cancer syndrome. Identifiers: Orphanet 145, MedGen C0677776, MeSH D061325, MONDO:0003582. Disease mechanism: loss of function.
Familial cancer of breast. Also called: BREAST CANCER, FAMILIAL; hereditary breast carcinoma; Hereditary breast cancer. Identifiers: Orphanet 227535, MedGen C0346153, MONDO:0016419, OMIM 114480. Disease mechanism: loss of function.

Allele frequency attached by ClinVar (database versions not stated): TOPMed 0.00001; gnomAD 0.00002.

Submissions (6):

Labcorp Genetics (formerly Invitae), Labcorp
Classification: Uncertain significance for Hereditary breast ovarian cancer syndrome. Last evaluated: 2025-12-13. Review status: criteria provided, single submitter. Criteria: Invitae Variant Classification Sherloc (09022015). Collection method: clinical testing. Allele origin: germline.
Comment: This sequence change replaces histidine, which is basic and polar, with glutamine, which is neutral and polar, at codon 3056 of the BRCA2 protein (p.His3056Gln). This variant is not present in population databases (gnomAD no frequency). This variant has not been reported in the literature in individuals affected with BRCA2-related conditions. ClinVar contains an entry for this variant (Variation ID: 234863). Invitae Evidence Modeling of protein sequence and biophysical properties (such as structural, functional, and spatial information, amino acid conservation, physicochemical variation, residue mobility, and thermodynamic stability) indicates that this missense variant is not expected to disrupt BRCA2 protein function with a negative predictive value of 95%. In summary, the available evidence is currently insufficient to determine the role of this variant in disease. Therefore, it has been classified as a Variant of Uncertain Significance.

Color Diagnostics, LLC DBA Color Health
Classification: Uncertain significance for Hereditary cancer-predisposing syndrome. Last evaluated: 2025-07-15. Review status: criteria provided, single submitter. Criteria: ACMG Guidelines, 2015. Collection method: clinical testing. Allele origin: germline.
Comment: This missense variant replaces histidine with glutamine at codon 3056 of the BRCA2 protein. Computational prediction suggests that this variant may not impact protein structure and function. To our knowledge, functional studies have not been reported for this variant. This variant has not been reported in individuals affected with BRCA2-related disorders in the literature. This variant has not been identified in the general population by the Genome Aggregation Database (gnomAD). The available evidence is insufficient to determine the role of this variant in disease conclusively. Therefore, this variant is classified as a Variant of Uncertain Significance.

Ambry Genetics
Classification: Likely benign for Hereditary cancer-predisposing syndrome. Last evaluated: 2025-05-15. Review status: criteria provided, single submitter. Criteria: Ambry Variant Classification Scheme 2023. Collection method: clinical testing. Allele origin: germline.

Baylor Genetics
Classification: Uncertain significance for Familial cancer of breast. Last evaluated: 2023-12-17. Review status: criteria provided, single submitter. Criteria: ACMG Guidelines, 2015. Collection method: clinical testing. Allele origin: unknown.

GeneDx
Classification: Uncertain significance. Last evaluated: 2023-06-28. Review status: criteria provided, single submitter. Criteria: GeneDx Variant Classification Process June 2021. Collection method: clinical testing. Allele origin: germline. Affected: yes.
Comment: Not observed at significant frequency in large population cohorts (gnomAD); In silico analysis supports that this missense variant does not alter protein structure/function; Has not been previously published as pathogenic or benign to our knowledge; Also known as 9396C>G; This variant is associated with the following publications: (PMID: 29884841, 31911673, 32377563, 12228710)

Quest Diagnostics Nichols Institute San Juan Capistrano
Classification: Uncertain significance. Last evaluated: 2021-06-29. Review status: criteria provided, single submitter. Criteria: Quest Diagnostics criteria. Collection method: clinical testing. Allele origin: unknown.